The following is an entry in ClinVar:

ClinVar aggregate classification (germline): Uncertain significance (1 of 4 stars; one submission).

Allele frequency attached by ClinVar (database versions not stated): gnomAD exomes below 0.00001 and 0.00001; TOPMed below 0.00001; ExAC 0.00001.
gnomAD v4.1: 4 of 1,614,162 alleles (0.00025%); highest among the groups gnomAD compares: African/African-American, 0.0027%; no homozygotes.

Submission:

Labcorp Genetics (formerly Invitae), Labcorp
Classification: Uncertain significance. Last evaluated: 2025-09-02. Review status: criteria provided, single submitter. Criteria: Invitae Variant Classification Sherloc (09022015). Collection method: clinical testing. Allele origin: germline.
Comment: This sequence change replaces leucine, which is neutral and non-polar, with phenylalanine, which is neutral and non-polar, at codon 133 of the RGR protein (p.Leu133Phe). This variant is present in population databases (rs779333196, gnomAD 0.0009%). This variant has not been reported in the literature in individuals affected with RGR-related conditions. ClinVar contains an entry for this variant (Variation ID: 960267). An algorithm developed to predict the effect of missense changes on protein structure and function outputs the following: PolyPhen-2: "Not Available". The phenylalanine amino acid residue is found in multiple mammalian species, which suggests that this missense change does not adversely affect protein function. In summary, the available evidence is currently insufficient to determine the role of this variant in disease. Therefore, it has been classified as a Variant of Uncertain Significance.

NM_001012720.2(RGR):c.397C>T (p.Leu133Phe)

Gene: RGR (retinal G protein coupled receptor; plus strand). Cytogenetic location: 10q23.1.
Variant type: single nucleotide variant.
Coding change: c.397C>T on transcript NM_001012720.2 (MANE Select); coding-DNA position 397, C replaced by T.
Protein change: p.Leu133Phe; replaces leucine 133 with phenylalanine.
Molecular consequence: missense variant.
Genome position (GRCh38, 1-based): chr10:84,252,895, C>T. VCF-style: chr10-84252895-C-T. GRCh37 (hg19) VCF-style: chr10-86012651-C-T.
Other names: c.397C>T, p.Leu133Phe (NM_001012722.2); c.409C>T, p.Leu137Phe (NM_002921.4); short protein forms L137F, L133F.
Identifiers: ClinVar variation 960267 (VCV000960267.8), dbSNP rs779333196, ClinGen allele CA5581430.